The following is an entry in ClinVar:

NM_130384.3(ATRIP):c.679A>G (p.Lys227Glu)

Genes: ATRIP (ATR interacting protein; plus strand), ATRIP-TREX1 (ATRIP-TREX1 readthrough; plus strand). Cytogenetic location: 3p21.31.
Variant type: single nucleotide variant.
Coding change: c.679A>G on transcript NM_130384.3 (MANE Select); coding-DNA position 679, A replaced by G.
Protein change: p.Lys227Glu; replaces lysine 227 with glutamic acid.
Molecular consequence: missense variant. On other transcripts: non-coding transcript variant (1).
Genome position (GRCh38, 1-based): chr3:48,457,266, A>G. VCF-style: chr3-48457266-A-G. GRCh37 (hg19) VCF-style: chr3-48498666-A-G.
Other names: c.298A>G, p.Lys100Glu (NM_001271022.2); c.400A>G, p.Lys134Glu (NM_001271023.2); c.679A>G, p.Lys227Glu (NM_032166.4); short protein forms K134E, K100E, K227E.
Identifiers: ClinVar variation 2095315 (VCV002095315.4), dbSNP rs2529969384, ClinGen allele CA352715110.

ClinVar aggregate classification (germline): Uncertain significance (1 of 4 stars; one submission).

Submission:

Labcorp Genetics (formerly Invitae), Labcorp
Classification: Uncertain significance. Last evaluated: 2022-02-09. Review status: criteria provided, single submitter. Criteria: Invitae Variant Classification Sherloc (09022015). Collection method: clinical testing. Allele origin: germline.
Comment: In summary, the available evidence is currently insufficient to determine the role of this variant in disease. Therefore, it has been classified as a Variant of Uncertain Significance. Algorithms developed to predict the effect of missense changes on protein structure and function (SIFT, PolyPhen-2, Align-GVGD) all suggest that this variant is likely to be tolerated. This variant has not been reported in the literature in individuals affected with ATRIP-related conditions. This variant is not present in population databases (gnomAD no frequency). This sequence change replaces lysine, which is basic and polar, with glutamic acid, which is acidic and polar, at codon 227 of the ATRIP protein (p.Lys227Glu).